The following is an entry in ClinVar:

ClinVar aggregate classification (germline): Likely benign. Review status: criteria provided, multiple submitters, no conflicts (2 of 4 stars). 3 submissions from 3 submitters: Likely benign (2). 1 of the submissions does not count toward it. Last evaluated 2024-10-24.

Conditions:
PDE1C-related disorder. Also called: PDE1C-related condition.

Allele frequency attached by ClinVar (database versions not stated): 1000 Genomes Project 30x 0.00047; 1000 Genomes Project 0.00060; ESP Exome Variant Server 0.00238; ExAC 0.00266.
gnomAD v4.1: 5,222 of 1,613,856 alleles (0.32%); highest among the groups gnomAD compares: Non-Finnish European, 0.4%; 12 homozygotes.

Submissions (4):

Blueprint Genetics
Classification: Likely benign. Last evaluated: 2024-10-24. Review status: criteria provided, single submitter. Criteria: ACMG Guidelines, 2015. Collection method: clinical testing. Allele origin: germline.

CeGaT Center for Human Genetics Tuebingen
Classification: Likely benign. Last evaluated: 2023-02-01. Review status: criteria provided, single submitter. Criteria: CeGaT Center For Human Genetics Tuebingen Variant Classification Criteria Version 2. Collection method: clinical testing. Allele origin: germline. Affected: yes. Observed: 1 variant allele.
Comment: PDE1C: BP4, BP7

PreventionGenetics, part of Exact Sciences
Classification: Benign for PDE1C-related condition. Last evaluated: 2019-09-27. Review status: no assertion criteria provided. Collection method: clinical testing. Allele origin: germline. Not counted in ClinVar's aggregate classification.
Comment: This variant is classified as benign based on ACMG/AMP sequence variant interpretation guidelines (Richards et al. 2015 PMID: 25741868, with internal and published modifications).

Dr. Peter K. Rogan Lab, Western University
No classification provided (evidence only). Condition: Sarcoma. Review status: no classification provided. Collection method: in vitro. Allele origin: not applicable. Functional consequence: retained intron. Not counted in ClinVar's aggregate classification.

NM_001191057.4(PDE1C):c.1677C>T (p.Gly559=)

Gene: PDE1C (phosphodiesterase 1C; minus strand). Cytogenetic location: 7p14.3.
Variant type: single nucleotide variant.
Coding change: c.1677C>T on transcript NM_001191057.4 (MANE Select); coding-DNA position 1677, C replaced by T.
Protein change: p.Gly559=; no amino-acid change (glycine 559 retained).
Molecular consequence: synonymous variant.
Genome position (GRCh38, 1-based): chr7:31,816,060, G>A on the plus strand (C>T on the coding strand, the complement: PDE1C is on the minus strand). VCF-style: chr7-31816060-G-A. GRCh37 (hg19) VCF-style: chr7-31855674-G-A.
Other names: NC_000007.13:g.31855674G>A; c.1857C>T (NM_001191058.3); c.1677C>T, p.Gly559= (NM_001191056.3, NM_001191059.4, NM_001322055.2 and 3 more transcripts); c.1857C>T, p.Gly619= (NM_001191058.4, NM_001322058.2); c.2082C>T, p.Gly694= (NM_001322059.2).
Identifiers: ClinVar variation 2657380 (VCV002657380.27), dbSNP rs144853377, ClinGen allele CA4210843.
Genomic context (GRCh38, chr7:31,816,060, plus strand): 5'-TGTTCCATTGACTTGATTCTTAGTTTCTCCAGACGTCTTTTTCTCAGCTTTGCCAGATGC[G>A]CCTTCTTCAGCCTGGCTTTTGGCTTCCATTTCCTTTTGCTGCTCCTCTGCGGCCAGGCGA-3'
Protein context (NP_001177986.1, residues 549-569): EMEAKSQAEE[Gly559=]ASGKAEKKTS